The following is an entry in ClinVar:

NM_144670.6(A2ML1):c.2756G>C (p.Cys919Ser)

Gene: A2ML1 (alpha-2-macroglobulin like 1; plus strand). Cytogenetic location: 12p13.31.
Variant type: single nucleotide variant.
Coding change: c.2756G>C on transcript NM_144670.6 (MANE Select); coding-DNA position 2756, G replaced by C.
Protein change: p.Cys919Ser; replaces cysteine 919 with serine.
Molecular consequence: missense variant.
Genome position (GRCh38, 1-based): chr12:8,854,823, G>C. VCF-style: chr12-8854823-G-C. GRCh37 (hg19) VCF-style: chr12-9007419-G-C.
Other names: c.1283G>C, p.Cys428Ser (NM_001282424.3); short protein forms C428S, C919S.
Identifiers: ClinVar variation 3522388 (VCV003522388.1).
Genomic context (GRCh38, chr12:8,854,823, plus strand): 5'-GTCTCTCTTCATCGCAGCCTGAGGGAGTCCTGGTGGAGAAGACACACAGCTCATTGCTGT[G>C]CCCAAAAGGTGGGTGGACTCAGAGCAGGATTGGTGGTGAGAATTCCCTTAGAGGGCAGGA-3'
Protein context (NP_653271.3, residues 909-929): LVEKTHSSLL[Cys919Ser]PKGKVASESV

ClinVar aggregate classification (germline): Uncertain significance (1 of 4 stars; one submission).

gnomAD v4.1: 1 of 1,613,876 alleles (0.000062%); highest among the groups gnomAD compares: Non-Finnish European, 0.000085%; no homozygotes.

Submission:

Ambry Genetics
Classification: Uncertain significance. Last evaluated: 2024-08-28. Review status: criteria provided, single submitter. Criteria: Ambry Variant Classification Scheme 2023. Collection method: clinical testing. Allele origin: germline.
Comment: The p.C919S variant (also known as c.2756G>C), located in coding exon 22 of the A2ML1 gene, results from a G to C substitution at nucleotide position 2756. The cysteine at codon 919 is replaced by serine, an amino acid with dissimilar properties. This amino acid position is conserved. In addition, the in silico prediction for this alteration is inconclusive. Based on the available evidence, the clinical significance of this variant remains unclear.